The following is an entry in ClinVar:

NM_001903.5(CTNNA1):c.1365C>G (p.Ser455Arg)

Gene: CTNNA1 (catenin alpha 1; plus strand). Cytogenetic location: 5q31.2.
Variant type: single nucleotide variant.
Coding change: c.1365C>G on transcript NM_001903.5 (MANE Select); coding-DNA position 1365, C replaced by G.
Protein change: p.Ser455Arg; replaces serine 455 with arginine.
Molecular consequence: missense variant. On other transcripts: 5 prime UTR variant (4), intron variant (3).
Genome position (GRCh38, 1-based): chr5:138,904,417, C>G. VCF-style: chr5-138904417-C-G. GRCh37 (hg19) VCF-style: chr5-138240106-C-G.
Other names: c.1365C>G, p.Ser455Arg (NM_001290307.3, NM_001323982.2, NM_001323983.1 and 2 more transcripts); c.1056C>G, p.Ser352Arg (NM_001290309.3); c.996C>G, p.Ser332Arg (NM_001290310.3); c.255C>G, p.Ser85Arg (NM_001290312.1, NM_001323987.1, NM_001323988.1 and 17 more transcripts); c.-143C>G (NM_001324006.1, NM_001324007.1, NM_001324008.1 and 1 more transcripts); c.12C>G, p.Ser4Arg (NM_001324012.1, NM_001324013.1); c.1297-13325C>G (NM_001323986.2); c.187-13325C>G (NM_001324011.1); and 2 more; short protein forms S4R, S455R, S85R, S332R, S352R.
Identifiers: ClinVar variation 1487025 (VCV001487025.9), dbSNP rs2150140663, ClinGen allele CA361136003.
Genomic context (GRCh38, chr5:138,904,417, plus strand): 5'-CTTGGCCTGTTCCATCTCAAATAATGAAGAAGGTGTAAAGCTTGTTCGAATGTCTGCAAG[C>G]CAGTTAGAAGCCCTCTGTCCTCAGGTAAAGTACAACTGACACTGGTGACAGCATAACCAA-3'
Protein context (NP_001894.2, residues 445-465): EGVKLVRMSA[Ser455Arg]QLEALCPQVI

ClinVar aggregate classification (germline): Uncertain significance. Review status: criteria provided, multiple submitters, no conflicts (2 of 4 stars). 2 submissions from 2 submitters: Uncertain significance (2). Last evaluated 2025-05-19.

gnomAD v4.1: 1 of 1,614,036 alleles (0.000062%); highest among the groups gnomAD compares: Non-Finnish European, 0.000085%; no homozygotes.

Submissions (2):

Labcorp Genetics (formerly Invitae), Labcorp
Classification: Uncertain significance. Last evaluated: 2025-05-19. Review status: criteria provided, single submitter. Criteria: Invitae Variant Classification Sherloc (09022015). Collection method: clinical testing. Allele origin: germline.
Comment: This sequence change replaces serine, which is neutral and polar, with arginine, which is basic and polar, at codon 455 of the CTNNA1 protein (p.Ser455Arg). This variant is not present in population databases (gnomAD no frequency). This variant has not been reported in the literature in individuals affected with CTNNA1-related conditions. ClinVar contains an entry for this variant (Variation ID: 1487025). Invitae Evidence Modeling of protein sequence and biophysical properties (such as structural, functional, and spatial information, amino acid conservation, physicochemical variation, residue mobility, and thermodynamic stability) indicates that this missense variant is not expected to disrupt CTNNA1 protein function with a negative predictive value of 80%. In summary, the available evidence is currently insufficient to determine the role of this variant in disease. Therefore, it has been classified as a Variant of Uncertain Significance.

GeneDx
Classification: Uncertain significance. Last evaluated: 2023-12-07. Review status: criteria provided, single submitter. Criteria: GeneDx Variant Classification Process June 2021. Collection method: clinical testing. Allele origin: germline. Affected: yes.
Comment: Not observed at significant frequency in large population cohorts (gnomAD); In silico analysis supports that this missense variant does not alter protein structure/function; Has not been previously published as pathogenic or benign to our knowledge